The following is an entry in ClinVar:

ClinVar aggregate classification (germline): Likely benign (1 of 4 stars; one submission).

Submission:

CeGaT Center for Human Genetics Tuebingen
Classification: Likely benign. Last evaluated: 2026-03-01. Review status: criteria provided, single submitter. Criteria: CeGaT Center For Human Genetics Tuebingen Variant Classification Criteria Version 2. Collection method: clinical testing. Allele origin: germline. Affected: yes. Observed: 1 variant allele.
Comment: GTF2IRD2: BP4, BP7

NM_173537.5(GTF2IRD2):c.2067T>C (p.Ser689=)

Genes: GTF2IRD2 (GTF2I repeat domain containing 2; minus strand), LOC106029312 (Williams-Beuren syndrome medial block B recombination region; plus strand). Cytogenetic location: 7q11.23.
Variant type: single nucleotide variant.
Coding change: c.2067T>C on transcript NM_173537.5 (MANE Select); coding-DNA position 2067, T replaced by C.
Protein change: p.Ser689=; no amino-acid change (serine 689 retained).
Molecular consequence: synonymous variant. On other transcripts: 3 prime UTR variant (4), non-coding transcript variant (8).
Genome position (GRCh38, 1-based): chr7:74,797,445, A>G on the plus strand (T>C on the coding strand, the complement: GTF2IRD2 is on the minus strand). VCF-style: chr7-74797445-A-G. GRCh37 (hg19) VCF-style: chr7-74211784-A-G.
Other names: c.1491T>C, p.Ser497= (NM_001388086.1); c.2016T>C, p.Ser672= (NM_001388087.1); c.*685T>C (NM_001388088.1, NM_001388460.1, NM_001388461.1); c.*803T>C (NM_001388089.1); c.2553T>C, p.Ser851= (NM_001368300.2); c.2082T>C, p.Ser694= (NM_001388079.1); c.2001T>C, p.Ser667= (NM_001388080.1); c.1989T>C, p.Ser663= (NM_001388081.1); and 3 more.
Identifiers: ClinVar variation 4821563 (VCV004821563.4).